The following is an entry in ClinVar:

ClinVar aggregate classification (germline): Uncertain significance. Review status: criteria provided, multiple submitters, no conflicts (2 of 4 stars). 3 submissions from 3 submitters: Uncertain significance (3). Last evaluated 2025-07-27.

Conditions:
Inborn genetic diseases. Identifiers: MedGen C0950123, MeSH D030342.

Allele frequency attached by ClinVar (database versions not stated): ExAC 0.00003; gnomAD 0.00005; TOPMed 0.00008; 1000 Genomes Project 30x 0.00016; 1000 Genomes Project 0.00020.
gnomAD v4.1: 20 of 1,613,784 alleles (0.0012%); highest among the groups gnomAD compares: African/African-American, 0.02%; no homozygotes.

Submissions (3):

Labcorp Genetics (formerly Invitae), Labcorp
Classification: Uncertain significance. Last evaluated: 2025-07-27. Review status: criteria provided, single submitter. Criteria: Invitae Variant Classification Sherloc (09022015). Collection method: clinical testing. Allele origin: germline.
Comment: This sequence change replaces alanine, which is neutral and non-polar, with threonine, which is neutral and polar, at codon 874 of the DNA2 protein (p.Ala874Thr). This variant is present in population databases (rs534740403, gnomAD 0.03%). This variant has not been reported in the literature in individuals affected with DNA2-related conditions. ClinVar contains an entry for this variant (Variation ID: 1925609). An algorithm developed to predict the effect of missense changes on protein structure and function (PolyPhen-2) suggests that this variant is likely to be tolerated. In summary, the available evidence is currently insufficient to determine the role of this variant in disease. Therefore, it has been classified as a Variant of Uncertain Significance.

Ambry Genetics
Classification: Uncertain significance for Inborn genetic diseases. Last evaluated: 2024-06-07. Review status: criteria provided, single submitter. Criteria: Ambry Variant Classification Scheme 2023. Collection method: clinical testing. Allele origin: germline.

GeneDx
Classification: Uncertain significance. Last evaluated: 2023-06-22. Review status: criteria provided, single submitter. Criteria: GeneDx Variant Classification Process June 2021. Collection method: clinical testing. Allele origin: germline. Affected: yes.
Comment: In silico analysis supports that this missense variant does not alter protein structure/function; Has not been previously published as pathogenic or benign to our knowledge

NM_001080449.3(DNA2):c.2620G>A (p.Ala874Thr)

Gene: DNA2 (DNA replication helicase/nuclease 2; minus strand). Cytogenetic location: 10q21.3.
Variant type: single nucleotide variant.
Coding change: c.2620G>A on transcript NM_001080449.3 (MANE Select); coding-DNA position 2620, G replaced by A.
Protein change: p.Ala874Thr; replaces alanine 874 with threonine.
Molecular consequence: missense variant. On other transcripts: non-coding transcript variant (1).
Genome position (GRCh38, 1-based): chr10:68,422,302, C>T on the plus strand (G>A on the coding strand, the complement: DNA2 is on the minus strand). VCF-style: chr10-68422302-C-T. GRCh37 (hg19) VCF-style: chr10-70182059-C-T.
Other names: c.2620G>A (NM_001080449.2); short protein forms A874T.
Identifiers: ClinVar variation 1925609 (VCV001925609.7), dbSNP rs534740403, ClinGen allele CA5524776.